The following is an entry in ClinVar:

ClinVar aggregate classification (germline): Uncertain significance. Review status: criteria provided, multiple submitters, no conflicts (2 of 4 stars). 2 submissions from 2 submitters: Uncertain significance (2). Last evaluated 2025-12-26.

Conditions:
Developmental and epileptic encephalopathy, 42 (DEE42A). Also called: DEVELOPMENTAL AND EPILEPTIC ENCEPHALOPATHY 42A; EPILEPTIC ENCEPHALOPATHY, EARLY INFANTILE, 42A; Epileptic encephalopathy, early infantile, 42. Identifiers: MedGen C4310716, MONDO:0014917, OMIM 617106.
Episodic ataxia type 2 (EA2). Also called: ATAXIA, EPISODIC, WITH NYSTAGMUS; ATAXIA, FAMILIAL PAROXYSMAL; CEREBELLAR ATAXIA, PAROXYSMAL, ACETAZOLAMIDE-RESPONSIVE; CEREBELLOPATHY, HEREDITARY PAROXYSMAL; EPISODIC ATAXIA, NYSTAGMUS-ASSOCIATED; ACETAZOLAMIDE-RESPONSIVE HEREDITARY PAROXYSMAL CEREBELLAR ATAXIA. Identifiers: Orphanet 97, MedGen C1720416, MONDO:0007163, OMIM 108500.

Allele frequency attached by ClinVar (database versions not stated): gnomAD exomes below 0.00001; TOPMed below 0.00001; gnomAD 0.00001; ExAC 0.00002.
gnomAD v4.1: 5 of 1,613,594 alleles (0.00031%); highest among the groups gnomAD compares: South Asian, 0.0022%; no homozygotes.

Submissions (2):

Labcorp Genetics (formerly Invitae), Labcorp
Classification: Uncertain significance for Developmental and epileptic encephalopathy, 42; Episodic ataxia type 2. Last evaluated: 2025-12-26. Review status: criteria provided, single submitter. Criteria: Invitae Variant Classification Sherloc (09022015). Collection method: clinical testing. Allele origin: germline.
Comment: This sequence change replaces isoleucine, which is neutral and non-polar, with valine, which is neutral and non-polar, at codon 1581 of the CACNA1A protein (p.Ile1581Val). This variant is present in population databases (rs763708646, gnomAD 0.004%). This variant has not been reported in the literature in individuals affected with CACNA1A-related conditions. ClinVar contains an entry for this variant (Variation ID: 2151261). Invitae Evidence Modeling of protein sequence and biophysical properties (such as structural, functional, and spatial information, amino acid conservation, physicochemical variation, residue mobility, and thermodynamic stability) indicates that this missense variant is not expected to disrupt CACNA1A protein function with a negative predictive value of 95%. In summary, the available evidence is currently insufficient to determine the role of this variant in disease. Therefore, it has been classified as a Variant of Uncertain Significance.

GeneDx
Classification: Uncertain significance. Last evaluated: 2023-03-28. Review status: criteria provided, single submitter. Criteria: GeneDx Variant Classification Process June 2021. Collection method: clinical testing. Allele origin: germline. Affected: yes.
Comment: In silico analysis supports that this missense variant does not alter protein structure/function; Has not been previously published as pathogenic or benign to our knowledge

NM_001127222.2(CACNA1A):c.4738A>G (p.Ile1580Val)

Gene: CACNA1A (calcium voltage-gated channel subunit alpha1 A; minus strand). Cytogenetic location: 19p13.13.
Variant type: single nucleotide variant.
Coding change: c.4738A>G on transcript NM_001127222.2 (MANE Select); coding-DNA position 4738, A replaced by G.
Protein change: p.Ile1580Val; replaces isoleucine 1580 with valine.
Molecular consequence: missense variant.
Genome position (GRCh38, 1-based): chr19:13,255,112, T>C on the plus strand (A>G on the coding strand, the complement: CACNA1A is on the minus strand). VCF-style: chr19-13255112-T-C. GRCh37 (hg19) VCF-style: chr19-13365926-T-C.
Other names: c.4750A>G, p.Ile1584Val (NM_000068.4, NM_023035.3); c.4741A>G, p.Ile1581Val (NM_001127221.2, NM_001174080.2); short protein forms I1584V, I1581V, I1580V.
Identifiers: ClinVar variation 2151261 (VCV002151261.5), dbSNP rs763708646, ClinGen allele CA9239959.